The following is an entry in ClinVar:

NM_000079.4(CHRNA1):c.-6T>C

Gene: CHRNA1 (cholinergic receptor nicotinic alpha 1 subunit; minus strand). Cytogenetic location: 2q31.1.
Variant type: single nucleotide variant.
Coding change: c.-6T>C on transcript NM_000079.4 (MANE Select); 6 bases upstream of the start codon, T replaced by C.
Molecular consequence: 5 prime UTR variant.
Genome position (GRCh38, 1-based): chr2:174,764,400, A>G on the plus strand (T>C on the coding strand, the complement: CHRNA1 is on the minus strand). VCF-style: chr2-174764400-A-G. GRCh37 (hg19) VCF-style: chr2-175629128-A-G.
Other names: c.-6T>C (NM_001039523.3).
Identifiers: ClinVar variation 2684155 (VCV002684155.1), dbSNP rs747529575, ClinGen allele CA1974737.

ClinVar aggregate classification (germline): Uncertain significance (1 of 4 stars; one submission).

Allele frequency attached by ClinVar (database versions not stated): TOPMed below 0.00001; ExAC 0.00001.

Submission:

Athena Diagnostics
Classification: Uncertain significance. Last evaluated: 2023-04-19. Review status: criteria provided, single submitter. Criteria: Athena Diagnostics Criteria. Collection method: clinical testing. Allele origin: unknown.
Comment: Available data are insufficient to determine the clinical significance of the variant at this time. The frequency of this variant in the general population is uninformative in assessment of its pathogenicity. Computational tools yielded predictions that this variant is unlikely to have an effect on normal RNA splicing.